The following is an entry in ClinVar:

ClinVar aggregate classification (germline): Uncertain significance (1 of 4 stars; one submission).

Submission:

Labcorp Genetics (formerly Invitae), Labcorp
Classification: Uncertain significance. Last evaluated: 2022-05-07. Review status: criteria provided, single submitter. Criteria: Invitae Variant Classification Sherloc (09022015). Collection method: clinical testing. Allele origin: germline.
Comment: This sequence change replaces valine, which is neutral and non-polar, with leucine, which is neutral and non-polar, at codon 70 of the LYRM7 protein (p.Val70Leu). This variant is not present in population databases (gnomAD no frequency). This variant has not been reported in the literature in individuals affected with LYRM7-related conditions. Algorithms developed to predict the effect of missense changes on protein structure and function (SIFT, PolyPhen-2, Align-GVGD) all suggest that this variant is likely to be disruptive. In summary, the available evidence is currently insufficient to determine the role of this variant in disease. Therefore, it has been classified as a Variant of Uncertain Significance.

NM_181705.4(LYRM7):c.208G>C (p.Val70Leu)

Gene: LYRM7 (LYR motif containing 7; plus strand). Cytogenetic location: 5q23.3.
Variant type: single nucleotide variant.
Coding change: c.208G>C on transcript NM_181705.4 (MANE Select); coding-DNA position 208, G replaced by C.
Protein change: p.Val70Leu; replaces valine 70 with leucine.
Molecular consequence: missense variant. On other transcripts: intron variant (1).
Genome position (GRCh38, 1-based): chr5:131,187,073, G>C. VCF-style: chr5-131187073-G-C. GRCh37 (hg19) VCF-style: chr5-130522766-G-C.
Other names: c.162+4774G>C (NM_001293735.2); short protein forms V70L.
Identifiers: ClinVar variation 2135224 (VCV002135224.4), dbSNP rs1755805897, ClinGen allele CA360837730.
Genomic context (GRCh38, chr5:131,187,073, plus strand): 5'-TGGTTTTCTTAACAGCTAATGAAAATAGGTTCTGATGTTGAATTATTACTCAGAACATCT[G>C]TTATACAAGGTATTCACACAGACCACAATACACTGAGTAAGTAAAATTAAAGAAAAATGG-3'
Protein context (NP_859056.2, residues 60-80): SDVELLLRTS[Val70Leu]IQGIHTDHNT